The following is an entry in ClinVar:

ClinVar aggregate classification (germline): Uncertain significance. Review status: criteria provided, multiple submitters, no conflicts (2 of 4 stars). 2 submissions from 2 submitters: Uncertain significance (2). Last evaluated 2024-12-23.

Allele frequency attached by ClinVar (database versions not stated): TOPMed 0.00001; gnomAD 0.00001; gnomAD exomes 0.00001.
gnomAD v4.1: 9 of 1,557,138 alleles (0.00058%); highest among the groups gnomAD compares: African/African-American, 0.0014%; no homozygotes.

Submissions (2):

Ambry Genetics
Classification: Uncertain significance. Last evaluated: 2024-12-23. Review status: criteria provided, single submitter. Criteria: Ambry Variant Classification Scheme 2023. Collection method: clinical testing. Allele origin: germline.

GeneDx
Classification: Uncertain significance. Last evaluated: 2021-02-11. Review status: criteria provided, single submitter. Criteria: GeneDx Variant Classification Process June 2021. Collection method: clinical testing. Allele origin: germline. Affected: yes.
Comment: Not observed in large population cohorts (Lek et al., 2016); In silico analysis supports that this missense variant does not alter protein structure/function; Has not been previously published as pathogenic or benign to our knowledge

NM_014629.4(ARHGEF10):c.1021G>A (p.Ala341Thr)

Gene: ARHGEF10 (Rho guanine nucleotide exchange factor 10; plus strand). Cytogenetic location: 8p23.3.
Variant type: single nucleotide variant.
Coding change: c.1021G>A on transcript NM_014629.4 (MANE Select); coding-DNA position 1021, G replaced by A.
Protein change: p.Ala341Thr; replaces alanine 341 with threonine.
Molecular consequence: missense variant.
Genome position (GRCh38, 1-based): chr8:1,882,695, G>A. VCF-style: chr8-1882695-G-A. GRCh37 (hg19) VCF-style: chr8-1830861-G-A.
Other names: c.907G>A, p.Ala303Thr (NM_001308152.2); c.1024G>A, p.Ala342Thr (NM_001308153.3); short protein forms A303T, A341T, A366T, A342T.
Identifiers: ClinVar variation 1312735 (VCV001312735.3), dbSNP rs996293023, ClinGen allele CA170594357.
Genomic context (GRCh38, chr8:1,882,695, plus strand): 5'-ATGCAGAAGCTCGTGAAGGCCGCGAAGGACGGCACCAAGGACGGGCTGGAGAGGACCAGG[G>A]CAGCCGTGAAGAGGGGCCGCTCCTTCATCAGGACCAAGTCTCTCATCGCACAGGGTCCGT-3'
Protein context (NP_055444.2, residues 331-351): GTKDGLERTR[Ala341Thr]AVKRGRSFIR